The following is an entry in ClinVar:

ClinVar aggregate classification (germline): Uncertain significance (1 of 4 stars; one submission).

gnomAD v4.1: 4 of 1,606,390 alleles (0.00025%); highest among the groups gnomAD compares: Non-Finnish European, 0.00034%; no homozygotes.

Submission:

GeneDx
Classification: Uncertain significance. Last evaluated: 2024-04-03. Review status: criteria provided, single submitter. Criteria: GeneDx Variant Classification Process June 2021. Collection method: clinical testing. Allele origin: germline. Affected: yes.
Comment: Not observed at significant frequency in large population cohorts (gnomAD); In silico analysis supports that this missense variant does not alter protein structure/function; Has not been previously published as pathogenic or benign to our knowledge

NM_006946.4(SPTBN2):c.2459C>A (p.Thr820Lys)

Gene: SPTBN2 (spectrin beta, non-erythrocytic 2; minus strand). Cytogenetic location: 11q13.2.
Variant type: single nucleotide variant.
Coding change: c.2459C>A on transcript NM_006946.4 (MANE Select); coding-DNA position 2459, C replaced by A.
Protein change: p.Thr820Lys; replaces threonine 820 with lysine.
Molecular consequence: missense variant.
Genome position (GRCh38, 1-based): chr11:66,704,817, G>T on the plus strand (C>A on the coding strand, the complement: SPTBN2 is on the minus strand). VCF-style: chr11-66704817-G-T. GRCh37 (hg19) VCF-style: chr11-66472288-G-T.
Other names: c.2480C>A, p.Thr827Lys (NM_001411025.1); short protein forms T820K, T827K.
Identifiers: ClinVar variation 3371816 (VCV003371816.1).
Genomic context (GRCh38, chr11:66,704,817, plus strand): 5'-CGGGCCTGCAGCTCCTCGTAGTGCCGCTCCAGGGTGGGCACCCGGCTCTGCACCTCGGGC[G>T]TGCGGCTCAGTGTGGGGGGCAGGGCTGCTGCCTGTTCCCTCAAGGCGTCCAGGGTTGGCC-3'
Protein context (NP_008877.2, residues 810-830): AAALPPTLSR[Thr820Lys]PEVQSRVPTL